The following is an entry in ClinVar:

ClinVar aggregate classification (germline): Uncertain significance (1 of 4 stars; one submission).

gnomAD v4.1: 4 of 1,551,732 alleles (0.00026%); highest among the groups gnomAD compares: South Asian, 0.0036%; no homozygotes.

Submission:

Labcorp Genetics (formerly Invitae), Labcorp
Classification: Uncertain significance. Last evaluated: 2025-01-30. Review status: criteria provided, single submitter. Criteria: Invitae Variant Classification Sherloc (09022015). Collection method: clinical testing. Allele origin: germline.
Comment: This sequence change replaces aspartic acid, which is acidic and polar, with alanine, which is neutral and non-polar, at codon 733 of the ZSWIM6 protein (p.Asp733Ala). This variant is not present in population databases (gnomAD no frequency). This variant has not been reported in the literature in individuals affected with ZSWIM6-related conditions. Invitae Evidence Modeling of protein sequence and biophysical properties (such as structural, functional, and spatial information, amino acid conservation, physicochemical variation, residue mobility, and thermodynamic stability) indicates that this missense variant is not expected to disrupt ZSWIM6 protein function with a negative predictive value of 80%. In summary, the available evidence is currently insufficient to determine the role of this variant in disease. Therefore, it has been classified as a Variant of Uncertain Significance.

NM_020928.2(ZSWIM6):c.2198A>C (p.Asp733Ala)

Gene: ZSWIM6 (zinc finger SWIM-type containing 6; plus strand). Cytogenetic location: 5q12.1.
Variant type: single nucleotide variant.
Coding change: c.2198A>C on transcript NM_020928.2 (MANE Select); coding-DNA position 2198, A replaced by C.
Protein change: p.Asp733Ala; replaces aspartic acid 733 with alanine.
Molecular consequence: missense variant.
Genome position (GRCh38, 1-based): chr5:61,531,678, A>C. VCF-style: chr5-61531678-A-C. GRCh37 (hg19) VCF-style: chr5-60827505-A-C.
Other names: short protein forms D733A.
Identifiers: ClinVar variation 3682904 (VCV003682904.2).
Genomic context (GRCh38, chr5:61,531,678, plus strand): 5'-AGAAAGTTTGCCGGAATGAGGAGCAGCTCATTTCTAAGCTTCAGGAAATTGAATTGGATG[A>C]CACACTGGTGAAAATTTTTCGCAAGCAAGCAGTCTTCCTATTAGAAGGTAGCCTGATACA-3'
Protein context (NP_065979.1, residues 723-743): ISKLQEIELD[Asp733Ala]TLVKIFRKQA